The following is an entry in ClinVar:

NM_000282.4(PCCA):c.1994dup (p.Met666fs)

Gene: PCCA (propionyl-CoA carboxylase subunit alpha; plus strand). Cytogenetic location: 13q32.3.
Variant type: Duplication.
Coding change: c.1994dup on transcript NM_000282.4 (MANE Select); coding-DNA position 1994, one base duplicated (C; older notation c.1994dupC).
Protein change: p.Met666fs; shifts the reading frame from methionine 666.
Molecular consequence: frameshift variant. On other transcripts: intron variant (2), non-coding transcript variant (4).
Genome position (GRCh38, 1-based): chr13:100,515,521, C duplicated; the last of 4 consecutive C bases (chr13:100,515,518-100,515,521); duplicating any one gives the same sequence. VCF-style (leftmost placement, unchanged base first): chr13-100515517-T-TC. GRCh37 (hg19) VCF-style: chr13-101167771-T-TC.
Other names: c.1822-12154dup (NM_001352607.2); c.1916dup, p.Met640fs (NM_001127692.3); c.1940dup, p.Met648fs (NM_001352605.2); c.1850dup, p.Met618fs (NM_001352606.2); c.1772dup, p.Met592fs (NM_001352608.2); c.1049dup, p.Met351fs (NM_001352610.2); c.995dup, p.Met333fs (NM_001352611.2); c.905dup, p.Met303fs (NM_001352612.2); and 1 more; short protein forms M648fs, M303fs, M666fs, M333fs, M351fs, M592fs, M618fs, M640fs.
Identifiers: ClinVar variation 802995 (VCV000802995.8), dbSNP rs1323994245, ClinGen allele CA611939610.
Genomic context (GRCh38, chr13:100,515,517, plus strand): 5'-GCAGAATTGAACAAATTTATGCTGGAAAAAGTGACTGAGGACACAAGCAGTGTTCTGCGT[T>TC]CCCCGATGCCCGGAGTGGTGGTGGCCGTCTCTGTCAAGCCTGGAGACGCGGTAAGGGCTG-3'

ClinVar aggregate classification (germline): Pathogenic/Likely pathogenic. Review status: criteria provided, multiple submitters, no conflicts (2 of 4 stars). 3 submissions from 3 submitters: Pathogenic (2); Likely pathogenic (1). Last evaluated 2022-04-01.

Conditions:
Propionic acidemia (PROP). Also called: GLYCINEMIA, KETOTIC; HYPERGLYCINEMIA WITH KETOACIDOSIS AND LEUKOPENIA; KETOTIC HYPERGLYCINEMIA. Identifiers: Orphanet 35, MedGen C0268579, MONDO:0011628, OMIM 606054, HP:0003571.

Submissions (3):

Labcorp Genetics (formerly Invitae), Labcorp
Classification: Pathogenic for Propionic acidemia. Last evaluated: 2022-04-01. Review status: criteria provided, single submitter. Criteria: Invitae Variant Classification Sherloc (09022015). Collection method: clinical testing. Allele origin: germline.
Comment: This sequence change creates a premature translational stop signal (p.Met666Aspfs*26) in the PCCA gene. While this is not anticipated to result in nonsense mediated decay, it is expected to disrupt the last 63 amino acid(s) of the PCCA protein. For these reasons, this variant has been classified as Pathogenic. This variant disrupts a region of the PCCA protein in which other variant(s) (p.Gly668Arg) have been determined to be pathogenic (PMID: 10329019, 12385775, 19099776, 27227689, 29978829). This suggests that this is a clinically significant region of the protein, and that variants that disrupt it are likely to be disease-causing. ClinVar contains an entry for this variant (Variation ID: 802995). This variant has not been reported in the literature in individuals affected with PCCA-related conditions. This variant is present in population databases (no rsID available, gnomAD 0.003%).

Laboratorio de Genetica e Diagnostico Molecular, Hospital Israelita Albert Einstein
Classification: Likely pathogenic for Propionic acidemia. Last evaluated: 2022-02-08. Review status: criteria provided, single submitter. Criteria: ACMG Guidelines, 2015. Collection method: clinical testing. Allele origin: germline. Affected: yes.
Comment: ACMG classification criteria: PVS1 very strong, PM2 moderate

Mendelics
Classification: Pathogenic for Propionic acidemia. Last evaluated: 2019-05-28. Review status: criteria provided, single submitter. Criteria: Mendelics Assertion Criteria 2017. Collection method: clinical testing. Allele origin: unknown.

Literature cited by the submitters: PubMed 10329019 (cited by Labcorp Genetics (formerly Invitae), Labcorp); PubMed 12385775 (cited by Labcorp Genetics (formerly Invitae), Labcorp); PubMed 19099776 (cited by Labcorp Genetics (formerly Invitae), Labcorp); PubMed 27227689 (cited by Labcorp Genetics (formerly Invitae), Labcorp); PubMed 29978829 (cited by Labcorp Genetics (formerly Invitae), Labcorp).